The following is an entry in ClinVar:

ClinVar aggregate classification (germline): Uncertain significance. Review status: criteria provided, multiple submitters, no conflicts (2 of 4 stars). 5 submissions from 5 submitters: Uncertain significance (4). 1 of the submissions does not count toward it. Last evaluated 2026-03-19.

Conditions:
Retinal dystrophy. Also called: Inherited retinal dystrophy. Identifiers: Orphanet 71862, MedGen C0854723, MeSH D058499, MONDO:0019118, HP:0000556.
Nephronophthisis. Also called: Juvenile Nephronophthisis. Identifiers: Orphanet 655, MedGen C0687120, MONDO:0019005, HP:0000090.
NPHP4-related disorder. Also called: NPHP4-related disorders; NPHP4-related condition. Identifiers: MedGen CN239384.
Inborn genetic diseases. Identifiers: MedGen C0950123, MeSH D030342.
Senior-Loken syndrome 4 (SLSN4). Identifiers: Orphanet 3156, MedGen C1846979, MONDO:0011756, OMIM 606996.
Nephronophthisis 4 (NPHP4). Also called: NEPHRONOPHTHISIS 4, JUVENILE. Identifiers: Orphanet 655, MedGen C1847013, MONDO:0011752, OMIM 606966.

Allele frequency attached by ClinVar (database versions not stated): gnomAD exomes 0.00004 and 0.00011; TOPMed 0.00005; ESP Exome Variant Server 0.00008; gnomAD 0.00008 and 0.00009; ExAC 0.00009.
gnomAD v4.1: 164 of 1,600,192 alleles (0.01%); highest among the groups gnomAD compares: Middle Eastern, 0.016%; no homozygotes.

Submissions (5):

PreventionGenetics, part of Exact Sciences
Classification: Uncertain significance for NPHP4-related condition. Last evaluated: 2026-03-19. Review status: criteria provided, single submitter. Criteria: ACMG Guidelines, 2015. Collection method: clinical testing. Allele origin: germline.
Comment: The NPHP4 c.853C>T variant is predicted to result in the amino acid substitution p.Arg285Trp. To our knowledge, this variant has not been reported in the literature. This variant is reported in 0.0071% of alleles in individuals of South Asian descent in gnomAD. At this time, the clinical significance of this variant is uncertain due to the absence of conclusive functional and genetic evidence.

Ambry Genetics
Classification: Uncertain significance for Inborn genetic diseases. Last evaluated: 2024-10-09. Review status: criteria provided, single submitter. Criteria: Ambry Variant Classification Scheme 2023. Collection method: clinical testing. Allele origin: germline.

Fulgent Genetics
Classification: Uncertain significance for Nephronophthisis 4; Senior-Loken syndrome 4. Last evaluated: 2024-03-22. Review status: criteria provided, single submitter. Criteria: ACMG Guidelines, 2015. Collection method: clinical testing. Allele origin: germline.

Labcorp Genetics (formerly Invitae), Labcorp
Classification: Uncertain significance for Nephronophthisis. Last evaluated: 2023-07-21. Review status: criteria provided, single submitter. Criteria: Invitae Variant Classification Sherloc (09022015). Collection method: clinical testing. Allele origin: germline.
Comment: Advanced modeling of protein sequence and biophysical properties (such as structural, functional, and spatial information, amino acid conservation, physicochemical variation, residue mobility, and thermodynamic stability) performed at Invitae indicates that this missense variant is expected to disrupt NPHP4 protein function. In summary, the available evidence is currently insufficient to determine the role of this variant in disease. Therefore, it has been classified as a Variant of Uncertain Significance. ClinVar contains an entry for this variant (Variation ID: 1007139). This variant has not been reported in the literature in individuals affected with NPHP4-related conditions. This variant is present in population databases (rs201680615, gnomAD 0.007%). This sequence change replaces arginine, which is basic and polar, with tryptophan, which is neutral and slightly polar, at codon 285 of the NPHP4 protein (p.Arg285Trp).

Institute of Human Genetics, Univ. Regensburg, Univ. Regensburg
Classification: Uncertain significance for Retinal dystrophy. Last evaluated: 2023-01-01. Review status: no assertion criteria provided. Criteria: ACMG Guidelines, 2015. Collection method: clinical testing. Allele origin: germline. Affected: yes. Not counted in ClinVar's aggregate classification.

NM_015102.5(NPHP4):c.853C>T (p.Arg285Trp)

Gene: NPHP4 (nephrocystin 4; minus strand). Cytogenetic location: 1p36.31.
Variant type: single nucleotide variant.
Coding change: c.853C>T on transcript NM_015102.5 (MANE Select); coding-DNA position 853, C replaced by T.
Protein change: p.Arg285Trp; replaces arginine 285 with tryptophan.
Molecular consequence: missense variant. On other transcripts: non-coding transcript variant (1), 5 prime UTR variant (2).
Genome position (GRCh38, 1-based): chr1:5,948,209, G>A on the plus strand (C>T on the coding strand, the complement: NPHP4 is on the minus strand). VCF-style: chr1-5948209-G-A. GRCh37 (hg19) VCF-style: chr1-6008269-G-A.
Other names: c.-514C>T (NM_001291593.2, NM_001291594.2); c.853C>T (NM_015102.3, NM_015102.4); short protein forms R285W.
Identifiers: ClinVar variation 1007139 (VCV001007139.8), dbSNP rs201680615, ClinGen allele CA554721.